The following is an entry in ClinVar:

NM_020987.5(ANK3):c.6878T>C (p.Leu2293Pro)

Genes: ANK3 (ankyrin 3; minus strand), LOC130003862 (ATAC-STARR-seq lymphoblastoid active region 3393; plus strand). Cytogenetic location: 10q21.2.
Variant type: single nucleotide variant.
Coding change: c.6878T>C on transcript NM_020987.5 (MANE Select); coding-DNA position 6878, T replaced by C.
Protein change: p.Leu2293Pro; replaces leucine 2293 with proline.
Molecular consequence: missense variant. On other transcripts: intron variant (4).
Genome position (GRCh38, 1-based): chr10:60,074,003, A>G on the plus strand (T>C on the coding strand, the complement: ANK3 is on the minus strand). VCF-style: chr10-60074003-A-G. GRCh37 (hg19) VCF-style: chr10-61833761-A-G.
Other names: c.4388-5994T>C (NM_001204403.2); c.4409-5994T>C (NM_001204404.2); c.4406-5994T>C (NM_001320874.2); c.1808-5994T>C (NM_001149.4); short protein forms L2293P.
Identifiers: ClinVar variation 5036920 (VCV005036920.1).

ClinVar aggregate classification (germline): Uncertain significance (1 of 4 stars; one submission).

gnomAD v4.1: 1 of 1,614,080 alleles (0.000062%); highest among the groups gnomAD compares: Non-Finnish European, 0.000085%; no homozygotes.

Submission:

GeneDx
Classification: Uncertain significance. Last evaluated: 2026-04-13. Review status: criteria provided, single submitter. Criteria: GeneDx Variant Classification Process June 2021. Collection method: clinical testing. Allele origin: germline.
Comment: Not observed at significant frequency in large population cohorts (gnomAD); In silico analysis supports that this missense variant has a deleterious effect on protein structure/function; Has not been previously published as pathogenic or benign to our knowledge